The following is an entry in ClinVar:

NM_145064.3(STAC3):c.73C>T (p.Arg25Trp)

Gene: STAC3 (SH3 and cysteine rich domain 3; minus strand). Cytogenetic location: 12q13.3.
Variant type: single nucleotide variant.
Coding change: c.73C>T on transcript NM_145064.3 (MANE Select); coding-DNA position 73, C replaced by T.
Protein change: p.Arg25Trp; replaces arginine 25 with tryptophan.
Molecular consequence: missense variant. On other transcripts: 5 prime UTR variant (1), intron variant (1).
Genome position (GRCh38, 1-based): chr12:57,249,302, G>A on the plus strand (C>T on the coding strand, the complement: STAC3 is on the minus strand). VCF-style: chr12-57249302-G-A. GRCh37 (hg19) VCF-style: chr12-57643085-G-A.
Other names: c.-45C>T (NM_001286256.2); c.-126-1104C>T (NM_001286257.2); short protein forms R25W.
Identifiers: ClinVar variation 1365736 (VCV001365736.4), dbSNP rs747642245, ClinGen allele CA6647249.

ClinVar aggregate classification (germline): Uncertain significance (1 of 4 stars; one submission).

Conditions:
Bailey-Bloch congenital myopathy (CMYO13). Also called: Congenital myopathy 13; Native American myopathy; STAC3 disorder. Identifiers: Orphanet 168572, MedGen C1850625, MONDO:0009722, OMIM 255995.

Allele frequency attached by ClinVar (database versions not stated): gnomAD exomes below 0.00001 and 0.00001; ExAC 0.00001; gnomAD 0.00003 and 0.00004; TOPMed 0.00003.

Submission:

Labcorp Genetics (formerly Invitae), Labcorp
Classification: Uncertain significance for Bailey-Bloch congenital myopathy. Last evaluated: 2025-12-15. Review status: criteria provided, single submitter. Criteria: Invitae Variant Classification Sherloc (09022015). Collection method: clinical testing. Allele origin: germline.
Comment: This sequence change replaces arginine, which is basic and polar, with tryptophan, which is neutral and slightly polar, at codon 25 of the STAC3 protein (p.Arg25Trp). The frequency data for this variant in the population databases is considered unreliable, as metrics indicate poor data quality at this position in the gnomAD database. This variant has not been reported in the literature in individuals affected with STAC3-related conditions. ClinVar contains an entry for this variant (Variation ID: 1365736). Invitae Evidence Modeling of protein sequence and biophysical properties (such as structural, functional, and spatial information, amino acid conservation, physicochemical variation, residue mobility, and thermodynamic stability) indicates that this missense variant is not expected to disrupt STAC3 protein function with a negative predictive value of 80%. In summary, the available evidence is currently insufficient to determine the role of this variant in disease. Therefore, it has been classified as a Variant of Uncertain Significance.